The following is an entry in ClinVar:

NM_001142864.4(PIEZO1):c.645C>G (p.His215Gln)

Genes: PIEZO1 (piezo type mechanosensitive ion channel component 1 (Er blood group); minus strand), HSALR1 (HSP90AB1 associated lncRNA 1; plus strand). Cytogenetic location: 16q24.3.
Variant type: single nucleotide variant.
Coding change: c.645C>G on transcript NM_001142864.4 (MANE Select); coding-DNA position 645, C replaced by G.
Protein change: p.His215Gln; replaces histidine 215 with glutamine.
Molecular consequence: missense variant.
Genome position (GRCh38, 1-based): chr16:88,738,430, G>C on the plus strand (C>G on the coding strand, the complement: PIEZO1 is on the minus strand). VCF-style: chr16-88738430-G-C. GRCh37 (hg19) VCF-style: chr16-88804838-G-C.
Other names: c.645C>G, p.His215Gln (LRG_1137t1); short protein forms H215Q.
Identifiers: ClinVar variation 440063 (VCV000440063.36), dbSNP rs559847737, ClinGen allele CA8233222.
Genomic context (GRCh38, chr16:88,738,430, plus strand): 5'-GGCCCACCAGGTGCAGAGGGCCAGGAAGAGCAGCAGGTAGACACTGGAGAGGGCCGAGGG[G>C]TGGGCGATGCCTGCGGGGCAGGGGCACACAGGGTGGTACCTGGCCAGTGCCATGTGTCCC-3'
Protein context (NP_001136336.2, residues 205-225): VTLLALAGIA[His215Gln]PSALSSVYLL

ClinVar aggregate classification (germline): Conflicting classifications of pathogenicity. Review status: criteria provided, conflicting classifications (1 of 4 stars). 8 submissions from 8 submitters: Uncertain significance (3); Likely benign (3). 2 of the submissions do not count toward it. Last evaluated 2025-11-01.

Conditions:
PIEZO1-related disorder. Also called: PIEZO1-Related Disorders; PIEZO1-related condition.
Inborn genetic diseases. Identifiers: MedGen C0950123, MeSH D030342.

Allele frequency attached by ClinVar (database versions not stated): gnomAD 0.00001 and 0.00019; TOPMed 0.00003; 1000 Genomes Project 0.00060; 1000 Genomes Project 30x 0.00094; ExAC 0.00261.
gnomAD v4.1: 509 of 1,535,754 alleles (0.033%); highest among the groups gnomAD compares: South Asian, 0.55%; 5 homozygotes.

Submissions (8):

CeGaT Center for Human Genetics Tuebingen
Classification: Likely benign. Last evaluated: 2025-11-01. Review status: criteria provided, single submitter. Criteria: CeGaT Center For Human Genetics Tuebingen Variant Classification Criteria Version 2. Collection method: clinical testing. Allele origin: germline. Affected: yes. Observed: 1 variant allele.
Comment: PIEZO1: BS2

Labcorp Genetics (formerly Invitae), Labcorp
Classification: Likely benign. Last evaluated: 2025-10-09. Review status: criteria provided, single submitter. Criteria: Invitae Variant Classification Sherloc (09022015). Collection method: clinical testing. Allele origin: germline.

Blueprint Genetics
Classification: Likely benign. Last evaluated: 2024-09-19. Review status: criteria provided, single submitter. Criteria: ACMG Guidelines, 2015. Collection method: clinical testing. Allele origin: germline.

Ambry Genetics
Classification: Uncertain significance for Inborn genetic diseases. Last evaluated: 2022-06-03. Review status: criteria provided, single submitter. Criteria: Ambry Variant Classification Scheme 2023. Collection method: clinical testing. Allele origin: germline.

Mayo Clinic Laboratories, Mayo Clinic
Classification: Uncertain significance. Last evaluated: 2021-07-09. Review status: criteria provided, single submitter. Criteria: ACMG Guidelines, 2015. Collection method: clinical testing. Allele origin: germline.

ARUP Laboratories, Molecular Genetics and Genomics, ARUP Laboratories
Classification: Uncertain significance. Last evaluated: 2017-05-03. Review status: criteria provided, single submitter. Criteria: ARUP Molecular Germline Variant Investigation Process. Collection method: clinical testing. Allele origin: germline.

PreventionGenetics, part of Exact Sciences
Classification: Likely benign for PIEZO1-related condition. Last evaluated: 2019-08-09. Review status: no assertion criteria provided. Collection method: clinical testing. Allele origin: germline. Not counted in ClinVar's aggregate classification.
Comment: This variant is classified as likely benign based on ACMG/AMP sequence variant interpretation guidelines (Richards et al. 2015 PMID: 25741868, with internal and published modifications).

Department of Pathology and Laboratory Medicine, Sinai Health System
Classification: Uncertain significance. Review status: no assertion criteria provided. Collection method: clinical testing. Allele origin: unknown. Affected: yes. Study: The Canadian Open Genetics Repository (COGR). Not counted in ClinVar's aggregate classification.
Comment: The PIEZO1 p.His215Gln variant was not identified in the literature nor was it identified in LOVD 3.0. The variant was identified in dbSNP (ID: rs559847737) and ClinVar (classified as a VUS by ARUP Laboratories). The variant was identified in control databases in 126 of 140580 chromosomes (1 homozygous) at a frequency of 0.0008963 increasing the likelihood this could be a low frequency benign variant (Genome Aggregation Database March 6, 2019, v2.1.1). The variant was observed in the following populations: South Asian in 125 of 22716 chromosomes (freq: 0.005503) and Other in 1 of 4210 chromosomes (freq: 0.000238), but was not observed in the African, Latino, Ashkenazi Jewish, East Asian, European (Finnish), and European (non-Finnish) populations. The p.His215 residue is conserved in mammals but not in more distantly related organisms however computational analyses (PolyPhen-2, SIFT, AlignGVGD, BLOSUM, MutationTaster) do not suggest a high likelihood of impact to the protein; this information is not predictive enough to rule out pathogenicity. The variant occurs outside of the splicing consensus sequence and three of four in silico or computational prediction software programs (SpliceSiteFinder, MaxEntScan, NNSPLICE, GeneSplicer) predict a greater than 10% difference in splicing. However, this information is not predictive enough to assume pathogenicity. In summary, based on the above information the clinical significance of this variant cannot be determined with certainty at this time. This variant is classified as a variant of uncertain significance.